The following is an entry in ClinVar:

ClinVar aggregate classification (germline): Uncertain significance. Review status: criteria provided, multiple submitters, no conflicts (2 of 4 stars). 2 submissions from 2 submitters: Uncertain significance (2). Last evaluated 2025-02-25.

Conditions:
Methylmalonic acidemia due to transcobalamin receptor defect (MATR). Also called: METHYLMALONIC ACIDEMIA, TCblR TYPE; METHYLMALONIC ACIDURIA, TRANSIENT, DUE TO TRANSCOBALAMIN RECEPTOR DEFECT. Identifiers: Orphanet 280183, MedGen C4749905, MONDO:0013341, OMIM 613646.

Allele frequency attached by ClinVar (database versions not stated): gnomAD exomes 0.00005 and 0.00012; TOPMed 0.00005; ESP Exome Variant Server 0.00008; ExAC 0.00010; gnomAD 0.00012 and 0.00013; 1000 Genomes Project 30x 0.00016; 1000 Genomes Project 0.00020.

Submissions (2):

Ambry Genetics
Classification: Uncertain significance. Last evaluated: 2025-02-25. Review status: criteria provided, single submitter. Criteria: Ambry Variant Classification Scheme 2023. Collection method: clinical testing. Allele origin: germline.

Labcorp Genetics (formerly Invitae), Labcorp
Classification: Uncertain significance for Methylmalonic acidemia due to transcobalamin receptor defect. Last evaluated: 2024-07-19. Review status: criteria provided, single submitter. Criteria: Invitae Variant Classification Sherloc (09022015). Collection method: clinical testing. Allele origin: germline.
Comment: This sequence change replaces arginine, which is basic and polar, with histidine, which is basic and polar, at codon 258 of the CD320 protein (p.Arg258His). This variant is present in population databases (rs143156732, gnomAD 0.09%), and has an allele count higher than expected for a pathogenic variant. This variant has not been reported in the literature in individuals affected with CD320-related conditions. ClinVar contains an entry for this variant (Variation ID: 1439352). An algorithm developed to predict the effect of missense changes on protein structure and function (PolyPhen-2) suggests that this variant is likely to be tolerated. In summary, the available evidence is currently insufficient to determine the role of this variant in disease. Therefore, it has been classified as a Variant of Uncertain Significance.

NM_016579.4(CD320):c.773G>A (p.Arg258His)

Gene: CD320 (CD320 molecule; minus strand). Cytogenetic location: 19p13.2.
Variant type: single nucleotide variant.
Coding change: c.773G>A on transcript NM_016579.4 (MANE Select); coding-DNA position 773, G replaced by A.
Protein change: p.Arg258His; replaces arginine 258 with histidine.
Molecular consequence: missense variant.
Genome position (GRCh38, 1-based): chr19:8,302,539, C>T on the plus strand (G>A on the coding strand, the complement: CD320 is on the minus strand). VCF-style: chr19-8302539-C-T. GRCh37 (hg19) VCF-style: chr19-8367423-C-T.
Other names: c.773G>A (NM_016579.3); c.647G>A, p.Arg216His (NM_001165895.2); short protein forms R216H, R258H.
Identifiers: ClinVar variation 1439352 (VCV001439352.8), dbSNP rs143156732, ClinGen allele CA9154610.